The following is an entry in ClinVar:

NM_006267.5(RANBP2):c.1937A>G (p.Tyr646Cys)

Gene: RANBP2 (RAN binding protein 2; plus strand). Cytogenetic location: 2q13.
Variant type: single nucleotide variant.
Coding change: c.1937A>G on transcript NM_006267.5 (MANE Select); coding-DNA position 1937, A replaced by G.
Protein change: p.Tyr646Cys; replaces tyrosine 646 with cysteine.
Molecular consequence: missense variant.
Genome position (GRCh38, 1-based): chr2:108,753,445, A>G. VCF-style: chr2-108753445-A-G. GRCh37 (hg19) VCF-style: chr2-109369901-A-G.
Other names: c.1937A>G, p.Tyr646Cys (NM_001415871.1, NM_001415873.1); c.1934A>G, p.Tyr645Cys (NM_001415872.1); short protein forms Y646C, Y645C.
Identifiers: ClinVar variation 2769050 (VCV002769050.3), dbSNP rs1413553144, ClinGen allele CA348052820.

ClinVar aggregate classification (germline): Uncertain significance (1 of 4 stars; one submission).

Conditions:
Familial acute necrotizing encephalopathy (IIAE3). Also called: ENCEPHALOPATHY, ACUTE, INFECTION-INDUCED, SUSCEPTIBILITY TO, 3; Susceptibility to Acute Necrotizing Encephalopathy 1. Identifiers: Orphanet 88619, MedGen C2675556, MONDO:0011953, OMIM 608033.

Allele frequency attached by ClinVar (database versions not stated): gnomAD exomes below 0.00001.
gnomAD v4.1: 3 of 1,611,838 alleles (0.00019%); highest among the groups gnomAD compares: Non-Finnish European, 0.00025%; no homozygotes.

Submission:

Labcorp Genetics (formerly Invitae), Labcorp
Classification: Uncertain significance for Familial acute necrotizing encephalopathy. Last evaluated: 2023-10-16. Review status: criteria provided, single submitter. Criteria: Invitae Variant Classification Sherloc (09022015). Collection method: clinical testing. Allele origin: germline.
Comment: This sequence change replaces tyrosine, which is neutral and polar, with cysteine, which is neutral and slightly polar, at codon 646 of the RANBP2 protein (p.Tyr646Cys). This variant is not present in population databases (gnomAD no frequency). This variant has not been reported in the literature in individuals affected with RANBP2-related conditions. An algorithm developed to predict the effect of missense changes on protein structure and function (PolyPhen-2) suggests that this variant is likely to be tolerated. In summary, the available evidence is currently insufficient to determine the role of this variant in disease. Therefore, it has been classified as a Variant of Uncertain Significance.